The following is an entry in ClinVar:

ClinVar aggregate classification (germline): Uncertain significance (1 of 4 stars; one submission).

Conditions:
Hereditary spastic paraplegia 8 (SPG8). Also called: SPASTIC PARAPLEGIA 8, AUTOSOMAL DOMINANT. Identifiers: Orphanet 100989, MedGen C1863704, MONDO:0011339, OMIM 603563.
Ritscher-Schinzel syndrome. Also called: CRANIOCEREBELLOCARDIAC DYSPLASIA. Identifiers: Orphanet 7, MedGen C0796137, MONDO:0019078.

gnomAD v4.1: 1 of 1,614,162 alleles (0.000062%); no homozygotes.

Submission:

Labcorp Genetics (formerly Invitae), Labcorp
Classification: Uncertain significance for Ritscher-Schinzel syndrome; Hereditary spastic paraplegia 8. Last evaluated: 2025-10-02. Review status: criteria provided, single submitter. Criteria: Invitae Variant Classification Sherloc (09022015). Collection method: clinical testing. Allele origin: germline.
Comment: This sequence change replaces isoleucine, which is neutral and non-polar, with valine, which is neutral and non-polar, at codon 650 of the WASHC5 protein (p.Ile650Val). This variant is not present in population databases (gnomAD no frequency). This variant has not been reported in the literature in individuals affected with WASHC5-related conditions. ClinVar contains an entry for this variant (Variation ID: 1472186). Invitae Evidence Modeling of protein sequence and biophysical properties (such as structural, functional, and spatial information, amino acid conservation, physicochemical variation, residue mobility, and thermodynamic stability) indicates that this missense variant is not expected to disrupt WASHC5 protein function with a negative predictive value of 80%. In summary, the available evidence is currently insufficient to determine the role of this variant in disease. Therefore, it has been classified as a Variant of Uncertain Significance.

NM_014846.4(WASHC5):c.1948A>G (p.Ile650Val)

Gene: WASHC5 (WASH complex subunit 5; minus strand). Cytogenetic location: 8q24.13.
Variant type: single nucleotide variant.
Coding change: c.1948A>G on transcript NM_014846.4 (MANE Select); coding-DNA position 1948, A replaced by G.
Protein change: p.Ile650Val; replaces isoleucine 650 with valine.
Molecular consequence: missense variant.
Genome position (GRCh38, 1-based): chr8:125,056,745, T>C on the plus strand (A>G on the coding strand, the complement: WASHC5 is on the minus strand). VCF-style: chr8-125056745-T-C. GRCh37 (hg19) VCF-style: chr8-126068987-T-C.
Other names: c.1504A>G, p.Ile502Val (NM_001330609.2); short protein forms I650V, I502V.
Identifiers: ClinVar variation 1472186 (VCV001472186.6), dbSNP rs1188960621, ClinGen allele CA372191037.